The following is an entry in ClinVar:

NM_003000.3(SDHB):c.767G>A (p.Gly256Asp)

Gene: SDHB (succinate dehydrogenase complex iron sulfur subunit B; minus strand). Cytogenetic location: 1p36.13.
Variant type: single nucleotide variant.
Coding change: c.767G>A on transcript NM_003000.3 (MANE Select); coding-DNA position 767, G replaced by A.
Protein change: p.Gly256Asp; replaces glycine 256 with aspartic acid.
Molecular consequence: missense variant.
Genome position (GRCh38, 1-based): chr1:17,018,957, C>T on the plus strand (G>A on the coding strand, the complement: SDHB is on the minus strand). VCF-style: chr1-17018957-C-T. GRCh37 (hg19) VCF-style: chr1-17345452-C-T.
Other names: c.713G>A, p.Gly238Asp (NM_001407361.1); short protein forms G238D, G256D.
Identifiers: ClinVar variation 4864263 (VCV004864263.1).
Genomic context (GRCh38, chr1:17,018,957, plus strand): 5'-TTCTCCTTATAGGTTGCCATCATTTTCTTGATCTCTGCAATAGCTTTCCCTGGATTCAGA[C>T]CCTTGAAAAAAGAGAAAAGAATCAATAACAAATGATAACTGAAACTGAAAGGGAAAACCC-3'
Protein context (NP_002991.2, residues 246-266): IMNCTRTCPK[Gly256Asp]LNPGKAIAEI

ClinVar aggregate classification (germline): Uncertain significance (1 of 4 stars; one submission).

Conditions:
Hereditary cancer-predisposing syndrome. Also called: Neoplastic Syndromes, Hereditary; Tumor predisposition; Hereditary Cancer Syndrome; Hereditary neoplastic syndrome. Identifiers: Orphanet 140162, MedGen C0027672, MeSH D009386, MONDO:0015356.

Submission:

Ambry Genetics
Classification: Uncertain significance for Hereditary cancer-predisposing syndrome. Last evaluated: 2026-04-30. Review status: criteria provided, single submitter. Criteria: Ambry Variant Classification Scheme 2023. Collection method: clinical testing. Allele origin: germline.
Comment: The p.G256D variant (also known as c.767G>A), located in coding exon 8 of the SDHB gene, results from a G to A substitution at nucleotide position 767. The glycine at codon 256 is replaced by aspartic acid, an amino acid with similar properties. This amino acid position is conserved. In addition, this alteration is predicted to be deleterious by in silico analysis. Based on the available evidence, the clinical significance of this variant remains unclear.